The following is an entry in ClinVar:

ClinVar aggregate classification (germline): Uncertain significance. Review status: criteria provided, multiple submitters, no conflicts (2 of 4 stars). 2 submissions from 2 submitters: Uncertain significance (2). Last evaluated 2025-03-26.

Conditions:
Primary ciliary dyskinesia. Also called: Ciliary dyskinesia. Identifiers: Orphanet 244, MedGen C0008780, MONDO:0016575, HP:0012265.

Allele frequency attached by ClinVar (database versions not stated): gnomAD exomes below 0.00001 and 0.00001; ExAC 0.00001; gnomAD 0.00002; TOPMed 0.00002; ESP Exome Variant Server 0.00009.
gnomAD v4.1: 7 of 1,206,101 alleles (0.00058%); highest among the groups gnomAD compares: Middle Eastern, 0.029%; no homozygotes.

Submissions (2):

Labcorp Genetics (formerly Invitae), Labcorp
Classification: Uncertain significance for Primary ciliary dyskinesia. Last evaluated: 2025-03-26. Review status: criteria provided, single submitter. Criteria: Invitae Variant Classification Sherloc (09022015). Collection method: clinical testing. Allele origin: germline.
Comment: This sequence change replaces serine, which is neutral and polar, with leucine, which is neutral and non-polar, at codon 11 of the RPGR protein (p.Ser11Leu). This variant is present in population databases (rs143975950, gnomAD 0.002%). This variant has not been reported in the literature in individuals affected with RPGR-related conditions. ClinVar contains an entry for this variant (Variation ID: 1007361). Invitae Evidence Modeling of protein sequence and biophysical properties (such as structural, functional, and spatial information, amino acid conservation, physicochemical variation, residue mobility, and thermodynamic stability) has been performed for this missense variant. However, the output from this modeling did not meet the statistical confidence thresholds required to predict the impact of this variant on RPGR protein function. In summary, the available evidence is currently insufficient to determine the role of this variant in disease. Therefore, it has been classified as a Variant of Uncertain Significance.

Blueprint Genetics
Classification: Uncertain significance. Last evaluated: 2021-04-21. Review status: criteria provided, single submitter. Criteria: ACMG Guidelines, 2015. Collection method: clinical testing. Allele origin: germline.

NM_001034853.2(RPGR):c.32C>T (p.Ser11Leu)

Gene: RPGR (retinitis pigmentosa GTPase regulator; minus strand). Cytogenetic location: Xp11.4.
Variant type: single nucleotide variant.
Coding change: c.32C>T on transcript NM_001034853.2 (MANE Select); coding-DNA position 32, C replaced by T.
Protein change: p.Ser11Leu; replaces serine 11 with leucine.
Molecular consequence: missense variant. On other transcripts: non-coding transcript variant (6).
Genome position (GRCh38, 1-based): chrX:38,323,521, G>A on the plus strand (C>T on the coding strand, the complement: RPGR is on the minus strand). VCF-style: chrX-38323521-G-A. GRCh37 (hg19) VCF-style: chrX-38182774-G-A.
Other names: c.32C>T, p.Ser11Leu (NM_000328.3, NM_001367245.1, NM_001367246.1 and 4 more transcripts); c.62C>T, p.Ser21Leu (NM_001367248.1); short protein forms S11L, S21L.
Identifiers: ClinVar variation 1007361 (VCV001007361.10), dbSNP rs143975950, ClinGen allele CA10385739.